The following is an entry in ClinVar:

ClinVar aggregate classification (germline): Uncertain significance (1 of 4 stars; one submission).

gnomAD v4.1: 7 of 1,612,198 alleles (0.00043%); highest among the groups gnomAD compares: African/African-American, 0.0053%; no homozygotes.

Submission:

Labcorp Genetics (formerly Invitae), Labcorp
Classification: Uncertain significance. Last evaluated: 2022-11-22. Review status: criteria provided, single submitter. Criteria: Invitae Variant Classification Sherloc (09022015). Collection method: clinical testing. Allele origin: germline.
Comment: This variant has not been reported in the literature in individuals affected with CERKL-related conditions. The frequency data for this variant in the population databases is considered unreliable, as metrics indicate poor data quality at this position in the gnomAD database. This sequence change replaces serine, which is neutral and polar, with asparagine, which is neutral and polar, at codon 238 of the CERKL protein (p.Ser238Asn). Algorithms developed to predict the effect of missense changes on protein structure and function (SIFT, PolyPhen-2, Align-GVGD) all suggest that this variant is likely to be tolerated. In summary, the available evidence is currently insufficient to determine the role of this variant in disease. Therefore, it has been classified as a Variant of Uncertain Significance.

NM_201548.5(CERKL):c.677+583G>A

Gene: CERKL (CERK like autophagy regulator; minus strand). Cytogenetic location: 2q31.3.
Variant type: single nucleotide variant.
Coding change: c.677+583G>A on transcript NM_201548.5 (MANE Select); 583 bases into the intron after coding-DNA position 677, G replaced by A.
Molecular consequence: intron variant. On other transcripts: missense variant (2).
Genome position (GRCh38, 1-based): chr2:181,565,475, C>T on the plus strand (G>A on the coding strand, the complement: CERKL is on the minus strand). VCF-style: chr2-181565475-C-T. GRCh37 (hg19) VCF-style: chr2-182430202-C-T.
Other names: c.713G>A, p.Ser238Asn (NM_001030311.3); c.581G>A, p.Ser194Asn (NM_001160277.2); c.482-15767G>A (NM_001030312.3); c.613+8278G>A (NM_001030313.3); short protein forms S194N, S238N.
Identifiers: ClinVar variation 1956198 (VCV001956198.5), dbSNP rs921798110, ClinGen allele CA61598497.
Genomic context (GRCh38, chr2:181,565,475, plus strand): 5'-GAAATTTATATCACTTGCCTTGGTTCTAACGTTTGCATGCCAGTGAACAATCTCTGTACA[C>T]TCCAATGTATTGCGAACAATGGTTTCCGATGCCCACTGTGAATAACATACCTAAATTGTA-3'